The following is an entry in ClinVar:

NM_000135.4(FANCA):c.2828C>G (p.Ala943Gly)

Gene: FANCA (FA complementation group A; minus strand). Cytogenetic location: 16q24.3.
Variant type: single nucleotide variant.
Coding change: c.2828C>G on transcript NM_000135.4 (MANE Select); coding-DNA position 2828, C replaced by G.
Protein change: p.Ala943Gly; replaces alanine 943 with glycine.
Molecular consequence: missense variant.
Genome position (GRCh38, 1-based): chr16:89,761,973, G>C on the plus strand (C>G on the coding strand, the complement: FANCA is on the minus strand). VCF-style: chr16-89761973-G-C. GRCh37 (hg19) VCF-style: chr16-89828381-G-C.
Other names: c.2828C>G, p.Ala943Gly (NM_001286167.3); short protein forms A943G.
Identifiers: ClinVar variation 3848010 (VCV003848010.1).

ClinVar aggregate classification (germline): Uncertain significance (1 of 4 stars; one submission).

Conditions:
Inborn genetic diseases. Identifiers: MedGen C0950123, MeSH D030342.

gnomAD v4.1: 1 of 1,614,076 alleles (0.000062%); highest among the groups gnomAD compares: Non-Finnish European, 0.000085%; no homozygotes.

Submission:

Ambry Genetics
Classification: Uncertain significance for Inborn genetic diseases. Last evaluated: 2024-12-12. Review status: criteria provided, single submitter. Criteria: Ambry Variant Classification Scheme 2023. Collection method: clinical testing. Allele origin: germline.
Comment: The p.A943G variant (also known as c.2828C>G), located in coding exon 29 of the FANCA gene, results from a C to G substitution at nucleotide position 2828. The alanine at codon 943 is replaced by glycine, an amino acid with similar properties. This amino acid position is conserved. In addition, this alteration is predicted to be tolerated by in silico analysis. Based on the available evidence, the clinical significance of this variant remains unclear.